The following is an entry in ClinVar:

ClinVar aggregate classification (germline): Pathogenic (1 of 4 stars; one submission).

Conditions:
Neurofibromatosis, type 1 (NF1). Also called: Neurofibromatosis, type I; NEUROFIBROMATOSIS, TYPE I, SOMATIC; Peripheral type neurofibromatosis; VON RECKLINGHAUSEN DISEASE. Identifiers: Orphanet 636, MedGen C0027831, MONDO:0018975, OMIM 162200. Disease mechanism: loss of function.

Submission:

Labcorp Genetics (formerly Invitae), Labcorp
Classification: Pathogenic for Neurofibromatosis, type 1. Last evaluated: 2023-06-27. Review status: criteria provided, single submitter. Criteria: Invitae Variant Classification Sherloc (09022015). Collection method: clinical testing. Allele origin: germline.
Comment: For these reasons, this variant has been classified as Pathogenic. This variant has not been reported in the literature in individuals affected with NF1-related conditions. This variant is not present in population databases (gnomAD no frequency). This sequence change creates a premature translational stop signal (p.Glu1699Argfs*3) in the NF1 gene. It is expected to result in an absent or disrupted protein product. Loss-of-function variants in NF1 are known to be pathogenic (PMID: 10712197, 23913538).

Literature cited by the submitters: PubMed 10712197; PubMed 23913538.

NM_001042492.3(NF1):c.5156dup (p.Glu1720fs)

Gene: NF1 (neurofibromin 1; plus strand). Cytogenetic location: 17q11.2.
Variant type: Duplication.
Coding change: c.5156dup on transcript NM_001042492.3 (MANE Select); coding-DNA position 5156, one base duplicated (T; older notation c.5156dupT).
Protein change: p.Glu1720fs; shifts the reading frame from glutamic acid 1720.
Molecular consequence: frameshift variant.
Genome position (GRCh38, 1-based): chr17:31,326,140, T duplicated. VCF-style (leftmost placement, unchanged base first): chr17-31326139-A-AT. GRCh37 (hg19) VCF-style: chr17-29653157-A-AT.
Other names: c.5093dup, p.Glu1699Argfs (NM_000267.4); short protein forms E1720fs, E1699fs.
Identifiers: ClinVar variation 2730723 (VCV002730723.3), dbSNP rs2508697625, ClinGen allele CA2697559581.